The following is an entry in ClinVar:

NM_002234.4(KCNA5):c.1153G>C (p.Gly385Arg)

Gene: KCNA5 (potassium voltage-gated channel subfamily A member 5; plus strand). Cytogenetic location: 12p13.32.
Variant type: single nucleotide variant.
Coding change: c.1153G>C on transcript NM_002234.4 (MANE Select); coding-DNA position 1153, G replaced by C.
Protein change: p.Gly385Arg; replaces glycine 385 with arginine.
Molecular consequence: missense variant.
Genome position (GRCh38, 1-based): chr12:5,045,300, G>C. VCF-style: chr12-5045300-G-C. GRCh37 (hg19) VCF-style: chr12-5154466-G-C.
Other names: short protein forms G385R.
Identifiers: ClinVar variation 864049 (VCV000864049.9), dbSNP rs1175569776, ClinGen allele CA383465885.

ClinVar aggregate classification (germline): Uncertain significance (1 of 4 stars; one submission).

Conditions:
Atrial fibrillation, familial, 7 (ATFB7). Identifiers: MedGen C2677106, MONDO:0012828, OMIM 612240.

Allele frequency attached by ClinVar (database versions not stated): gnomAD exomes below 0.00001; TOPMed below 0.00001.

Submission:

Labcorp Genetics (formerly Invitae), Labcorp
Classification: Uncertain significance for Atrial fibrillation, familial, 7. Last evaluated: 2022-10-17. Review status: criteria provided, single submitter. Criteria: Invitae Variant Classification Sherloc (09022015). Collection method: clinical testing. Allele origin: germline.
Comment: In summary, the available evidence is currently insufficient to determine the role of this variant in disease. Therefore, it has been classified as a Variant of Uncertain Significance. This sequence change replaces glycine, which is neutral and non-polar, with arginine, which is basic and polar, at codon 385 of the KCNA5 protein (p.Gly385Arg). This variant is not present in population databases (gnomAD no frequency). This variant has not been reported in the literature in individuals affected with KCNA5-related conditions. ClinVar contains an entry for this variant (Variation ID: 864049). Algorithms developed to predict the effect of missense changes on protein structure and function are either unavailable or do not agree on the potential impact of this missense change (SIFT: "Tolerated"; PolyPhen-2: "Probably Damaging"; Align-GVGD: "Class C0").